The following is an entry in ClinVar:

NC_000005.10:g.112707484C>T

Genes: APC (APC regulator of Wnt signaling pathway; plus strand), LOC129994371 (ATAC-STARR-seq lymphoblastoid active region 22910; plus strand). Cytogenetic location: 5q22.2.
Variant type: single nucleotide variant.
Genome position: GRCh38 VCF-style: chr5-112707484-C-T. GRCh37 (hg19) VCF-style: chr5-112043181-C-T.
Identifiers: ClinVar variation 469865 (VCV000469865.14), dbSNP rs145818737, ClinGen allele CA124924773.

ClinVar aggregate classification (germline): Likely benign. Review status: criteria provided, multiple submitters, no conflicts (2 of 4 stars). 3 submissions from 3 submitters: Likely benign (3). Last evaluated 2026-08-20.

Conditions:
APC-related disorder. Also called: APC-related condition.
Familial adenomatous polyposis 1 (FAP1). Also called: FAMILIAL ADENOMATOUS POLYPOSIS 1, ATTENUATED; POLYPOSIS, ADENOMATOUS INTESTINAL. Identifiers: MedGen C2713442, MONDO:0021056, OMIM 175100. Disease mechanism: loss of function.

Allele frequency attached by ClinVar (database versions not stated): gnomAD exomes 0.00002; 1000 Genomes Project 0.00020; 1000 Genomes Project 30x 0.00031; gnomAD 0.00006; TOPMed 0.00009.

Submissions (3):

PreventionGenetics, part of Exact Sciences
Classification: Likely benign for APC-related condition. Last evaluated: 2026-08-20. Review status: criteria provided, single submitter. Criteria: ACMG Guidelines, 2015. Collection method: clinical testing. Allele origin: germline.
Comment: This variant is classified as likely benign based on ACMG/AMP sequence variant interpretation guidelines (Richards et al. 2015 PMID: 25741868, with internal and published modifications).

Labcorp Genetics (formerly Invitae), Labcorp
Classification: Likely benign for Familial adenomatous polyposis 1. Last evaluated: 2026-02-03. Review status: criteria provided, single submitter. Criteria: Invitae Variant Classification Sherloc (09022015). Collection method: clinical testing. Allele origin: germline.

Blueprint Genetics
Classification: Likely benign. Last evaluated: 2024-08-06. Review status: criteria provided, single submitter. Criteria: ACMG Guidelines, 2015. Collection method: clinical testing. Allele origin: germline.